The following is an entry in ClinVar:

ClinVar aggregate classification (germline): Uncertain significance (1 of 4 stars; one submission).

Submission:

Labcorp Genetics (formerly Invitae), Labcorp
Classification: Uncertain significance. Last evaluated: 2025-02-04. Review status: criteria provided, single submitter. Criteria: Invitae Variant Classification Sherloc (09022015). Collection method: clinical testing. Allele origin: germline.
Comment: This sequence change replaces glutamic acid, which is acidic and polar, with glycine, which is neutral and non-polar, at codon 362 of the JAK1 protein (p.Glu362Gly). This variant is not present in population databases (gnomAD no frequency). This variant has not been reported in the literature in individuals affected with JAK1-related conditions. ClinVar contains an entry for this variant (Variation ID: 1360855). Invitae Evidence Modeling of protein sequence and biophysical properties (such as structural, functional, and spatial information, amino acid conservation, physicochemical variation, residue mobility, and thermodynamic stability) indicates that this missense variant is not expected to disrupt JAK1 protein function with a negative predictive value of 80%. In summary, the available evidence is currently insufficient to determine the role of this variant in disease. Therefore, it has been classified as a Variant of Uncertain Significance.

NM_002227.4(JAK1):c.1085A>G (p.Glu362Gly)

Gene: JAK1 (Janus kinase 1; minus strand). Cytogenetic location: 1p31.3.
Variant type: single nucleotide variant.
Coding change: c.1085A>G on transcript NM_002227.4 (MANE Select); coding-DNA position 1085, A replaced by G.
Protein change: p.Glu362Gly; replaces glutamic acid 362 with glycine.
Molecular consequence: missense variant.
Genome position (GRCh38, 1-based): chr1:64,864,878, T>C on the plus strand (A>G on the coding strand, the complement: JAK1 is on the minus strand). VCF-style: chr1-64864878-T-C. GRCh37 (hg19) VCF-style: chr1-65330561-T-C.
Other names: c.1085A>G, p.Glu362Gly (NM_001320923.2, NM_001321852.2, NM_001321853.2 and 4 more transcripts); short protein forms E362G.
Identifiers: ClinVar variation 1360855 (VCV001360855.6), dbSNP rs2101102440, ClinGen allele CA340673736.